The following is an entry in ClinVar:

ClinVar aggregate classification (germline): Pathogenic/Likely pathogenic. Review status: criteria provided, multiple submitters, no conflicts (2 of 4 stars). 2 submissions from 2 submitters: Pathogenic (1); Likely pathogenic (1). Last evaluated 2025-01-13.

Conditions:
Deficiency of guanidinoacetate methyltransferase (CCDS2). Also called: GAMT DEFICIENCY; CEREBRAL CREATINE DEFICIENCY SYNDROME 2; Guanidinoacetate Methyltransferase (GAMT) Deficiency. Identifiers: Orphanet 382, MedGen C0574080, MONDO:0012999, OMIM 612736.

Submissions (2):

Natera, Inc.
Classification: Likely pathogenic for Guanidinoacetate methyltransferase deficiency. Last evaluated: 2025-01-13. Review status: criteria provided, single submitter. Criteria: Natera Variant Classification Schema (03/2026). Collection method: clinical testing. Allele origin: germline.
Comment: The c.403G>C variant in GAMT is a missense variant predicted to cause substitution of aspartic acid to histidine at amino acid 135. This variant is rare in the general population with a frequency below the threshold expected for the associated phenotype(s). This variant has been observed in one or more individuals affected with the associated recessive disease, as either homozygous or compound heterozygous with a second variant (PMID: 28600779, 31130284, 39006040). A different variant at the same position has been determined to be Pathogenic or Likely Pathogenic. Computational prediction algorithms indicate this variant is likely to affect gene or protein function. Given the available evidence, this variant is classified as Likely Pathogenic.

Genomic Medicine Center of Excellence, King Faisal Specialist Hospital and Research Centre
Classification: Pathogenic for Deficiency of guanidinoacetate methyltransferase. Last evaluated: 2024-03-17. Review status: criteria provided, single submitter. Criteria: ACMG Guidelines, 2015. Collection method: research. Allele origin: germline.

Literature cited by the submitters: PubMed 28600779 (cited by Natera, Inc.); PubMed 31130284 (cited by Natera, Inc.); PubMed 39006040 (cited by Natera, Inc.).

NM_000156.6(GAMT):c.403G>C (p.Asp135His)

Gene: GAMT (guanidinoacetate N-methyltransferase; minus strand). Cytogenetic location: 19p13.3.
Variant type: single nucleotide variant.
Coding change: c.403G>C on transcript NM_000156.6 (MANE Select); coding-DNA position 403, G replaced by C.
Protein change: p.Asp135His; replaces aspartic acid 135 with histidine.
Molecular consequence: missense variant.
Genome position (GRCh38, 1-based): chr19:1,399,184, C>G on the plus strand (G>C on the coding strand, the complement: GAMT is on the minus strand). VCF-style: chr19-1399184-C-G. GRCh37 (hg19) VCF-style: chr19-1399183-C-G.
Other names: c.403G>C, p.Asp135His (NM_138924.3); c.403G>C (NM_000156.5); short protein forms D135H.
Identifiers: ClinVar variation 3064200 (VCV003064200.3), dbSNP rs774144200, ClinGen allele CA402995395.